The following is an entry in ClinVar:

ClinVar aggregate classification (germline): Uncertain significance (1 of 4 stars; one submission).

Submission:

Labcorp Genetics (formerly Invitae), Labcorp
Classification: Uncertain significance. Last evaluated: 2025-07-31. Review status: criteria provided, single submitter. Criteria: Invitae Variant Classification Sherloc (09022015). Collection method: clinical testing. Allele origin: germline.
Comment: This sequence change replaces lysine, which is basic and polar, with arginine, which is basic and polar, at codon 1580 of the ACACA protein (p.Lys1580Arg). This variant is not present in population databases (gnomAD no frequency). This variant has not been reported in the literature in individuals affected with ACACA-related conditions. ClinVar contains an entry for this variant (Variation ID: 3726062). An algorithm developed to predict the effect of missense changes on protein structure and function (PolyPhen-2) suggests that this variant is likely to be tolerated. In summary, the available evidence is currently insufficient to determine the role of this variant in disease. Therefore, it has been classified as a Variant of Uncertain Significance.

NM_198834.3(ACACA):c.4850A>G (p.Lys1617Arg)

Gene: ACACA (acetyl-CoA carboxylase alpha; minus strand). Cytogenetic location: 17q12.
Variant type: single nucleotide variant.
Coding change: c.4850A>G on transcript NM_198834.3 (MANE Select); coding-DNA position 4850, A replaced by G.
Protein change: p.Lys1617Arg; replaces lysine 1617 with arginine.
Molecular consequence: missense variant.
Genome position (GRCh38, 1-based): chr17:37,181,283, T>C on the plus strand (A>G on the coding strand, the complement: ACACA is on the minus strand). VCF-style: chr17-37181283-T-C. GRCh37 (hg19) VCF-style: chr17-35538224-T-C.
Other names: c.4739A>G, p.Lys1580Arg (NM_198836.3, NM_198839.3); c.4565A>G, p.Lys1522Arg (NM_198837.2); c.4505A>G, p.Lys1502Arg (NM_198838.2); short protein forms K1502R, K1522R, K1580R, K1617R.
Identifiers: ClinVar variation 3726062 (VCV003726062.2).
Genomic context (GRCh38, chr17:37,181,283, plus strand): 5'-TCATATATGTATGTTGTCCCTAAGGATTGTGCCTGGAACCTCTTTGATTGCAGCAGGTCT[T>C]TGGTCACATATGGAGTATTGATTAACATTCCATGCAGTGGTCCCTGTTTGTCTCCATATG-3'
Protein context (NP_942131.1, residues 1607-1627): GMLINTPYVT[Lys1617Arg]DLLQSKRFQA